The following is an entry in ClinVar:

NM_194277.3(FRMD7):c.1841C>G (p.Pro614Arg)

Gene: FRMD7 (FERM domain containing 7; minus strand). Cytogenetic location: Xq26.2.
Variant type: single nucleotide variant.
Coding change: c.1841C>G on transcript NM_194277.3 (MANE Select); coding-DNA position 1841, C replaced by G.
Protein change: p.Pro614Arg; replaces proline 614 with arginine.
Molecular consequence: missense variant.
Genome position (GRCh38, 1-based): chrX:132,078,176, G>C on the plus strand (C>G on the coding strand, the complement: FRMD7 is on the minus strand). VCF-style: chrX-132078176-G-C. GRCh37 (hg19) VCF-style: chrX-131212204-G-C.
Other names: c.1796C>G, p.Pro599Arg (NM_001306193.2); short protein forms P614R, P599R.
Identifiers: ClinVar variation 2090748 (VCV002090748.5), dbSNP rs2520692561, ClinGen allele CA414678179.

ClinVar aggregate classification (germline): Uncertain significance. Review status: criteria provided, multiple submitters, no conflicts (2 of 4 stars). 2 submissions from 2 submitters: Uncertain significance (2). Last evaluated 2025-10-02.

Conditions:
Inborn genetic diseases. Identifiers: MedGen C0950123, MeSH D030342.

Submissions (2):

Ambry Genetics
Classification: Uncertain significance for Inborn genetic diseases. Last evaluated: 2025-10-02. Review status: criteria provided, single submitter. Criteria: Ambry Variant Classification Scheme 2023. Collection method: clinical testing. Allele origin: germline.

Labcorp Genetics (formerly Invitae), Labcorp
Classification: Uncertain significance. Last evaluated: 2022-10-05. Review status: criteria provided, single submitter. Criteria: Invitae Variant Classification Sherloc (09022015). Collection method: clinical testing. Allele origin: germline.
Comment: This sequence change replaces proline, which is neutral and non-polar, with arginine, which is basic and polar, at codon 614 of the FRMD7 protein (p.Pro614Arg). This variant is not present in population databases (gnomAD no frequency). This variant has not been reported in the literature in individuals affected with FRMD7-related conditions. Algorithms developed to predict the effect of missense changes on protein structure and function are either unavailable or do not agree on the potential impact of this missense change (SIFT: "Deleterious"; PolyPhen-2: "Probably Damaging"; Align-GVGD: "Class C0"). In summary, the available evidence is currently insufficient to determine the role of this variant in disease. Therefore, it has been classified as a Variant of Uncertain Significance.